The following is an entry in ClinVar:

NM_031935.3(HMCN1):c.8613C>G (p.Ile2871Met)

Gene: HMCN1 (hemicentin 1; plus strand). Cytogenetic location: 1q31.1.
Variant type: single nucleotide variant.
Coding change: c.8613C>G on transcript NM_031935.3 (MANE Select); coding-DNA position 8613, C replaced by G.
Protein change: p.Ile2871Met; replaces isoleucine 2871 with methionine.
Molecular consequence: missense variant.
Genome position (GRCh38, 1-based): chr1:186,081,220, C>G. VCF-style: chr1-186081220-C-G. GRCh37 (hg19) VCF-style: chr1-186050352-C-G.
Other names: short protein forms I2871M.
Identifiers: ClinVar variation 2724573 (VCV002724573.3), dbSNP rs1444351319, ClinGen allele CA343914130.
Genomic context (GRCh38, chr1:186,081,220, plus strand): 5'-AAAAGACTGTTGCCCATTTTTCTCCCTTTGTTGCAATCCTTTGTTAGTGCCGCCAATTAT[C>G]AAGGGAGCAAATAGTGATCTCCCTGAAGAGGTCACCGTGCTGGTGAACAAGAGTGCACTG-3'
Protein context (NP_114141.2, residues 2861-2881): YDVRVLVPPI[Ile2871Met]KGANSDLPEE

ClinVar aggregate classification (germline): Uncertain significance (1 of 4 stars; one submission).

Allele frequency attached by ClinVar (database versions not stated): TOPMed 0.00001; gnomAD 0.00002.
gnomAD v4.1: 7 of 1,613,336 alleles (0.00043%); highest among the groups gnomAD compares: Non-Finnish European, 0.00059%; no homozygotes.

Submission:

Labcorp Genetics (formerly Invitae), Labcorp
Classification: Uncertain significance. Last evaluated: 2023-03-30. Review status: criteria provided, single submitter. Criteria: Invitae Variant Classification Sherloc (09022015). Collection method: clinical testing. Allele origin: germline.
Comment: In summary, the available evidence is currently insufficient to determine the role of this variant in disease. Therefore, it has been classified as a Variant of Uncertain Significance. An algorithm developed to predict the effect of missense changes on protein structure and function (PolyPhen-2) suggests that this variant is likely to be disruptive. This variant has not been reported in the literature in individuals affected with HMCN1-related conditions. This variant is not present in population databases (gnomAD no frequency). This sequence change replaces isoleucine, which is neutral and non-polar, with methionine, which is neutral and non-polar, at codon 2871 of the HMCN1 protein (p.Ile2871Met).